The following is an entry in ClinVar:

ClinVar aggregate classification (germline): Uncertain significance (1 of 4 stars; one submission).

Conditions:
Glycine encephalopathy. Also called: Nonketotic hyperglycinemia; Non-ketotic hyperglycinemia. Identifiers: Orphanet 407, MedGen C0751748, MONDO:0011612, HP:0008288.

Allele frequency attached by ClinVar (database versions not stated): gnomAD exomes below 0.00001; ExAC 0.00001; TOPMed 0.00001; gnomAD 0.00002; ESP Exome Variant Server 0.00008.
gnomAD v4.1: 4 of 1,613,150 alleles (0.00025%); highest among the groups gnomAD compares: African/African-American, 0.0053%; no homozygotes.

Submission:

Labcorp Genetics (formerly Invitae), Labcorp
Classification: Uncertain significance for Glycine encephalopathy. Last evaluated: 2021-01-08. Review status: criteria provided, single submitter. Criteria: Invitae Variant Classification Sherloc (09022015). Collection method: clinical testing. Allele origin: germline.
Comment: In summary, the available evidence is currently insufficient to determine the role of this variant in disease. Therefore, it has been classified as a Variant of Uncertain Significance. Algorithms developed to predict the effect of missense changes on protein structure and function (SIFT, PolyPhen-2, Align-GVGD) all suggest that this variant is likely to be tolerated, but these predictions have not been confirmed by published functional studies and their clinical significance is uncertain. This variant has not been reported in the literature in individuals with GLDC-related conditions. This variant is present in population databases (rs372595899, ExAC 0.01%). This sequence change replaces threonine with serine at codon 277 of the GLDC protein (p.Thr277Ser). The threonine residue is moderately conserved and there is a small physicochemical difference between threonine and serine.

NM_000170.3(GLDC):c.829A>T (p.Thr277Ser)

Gene: GLDC (glycine decarboxylase; minus strand). Cytogenetic location: 9p24.1.
Variant type: single nucleotide variant.
Coding change: c.829A>T on transcript NM_000170.3 (MANE Select); coding-DNA position 829, A replaced by T.
Protein change: p.Thr277Ser; replaces threonine 277 with serine.
Molecular consequence: missense variant.
Genome position (GRCh38, 1-based): chr9:6,605,163, T>A on the plus strand (A>T on the coding strand, the complement: GLDC is on the minus strand). VCF-style: chr9-6605163-T-A. GRCh37 (hg19) VCF-style: chr9-6605163-T-A.
Other names: short protein forms T277S.
Identifiers: ClinVar variation 1515927 (VCV001515927.6), dbSNP rs372595899, ClinGen allele CA4980975.
Genomic context (GRCh38, chr9:6,605,163, plus strand): 5'-GGACCCCCCACAAGAAAGGTATACCTACCCCACTCTGATGAGCTCTCTCCACGAGTTCCG[T>A]AAAGTCTTCCACCTTCCCCTCCGTGTCTGGGTACTGGAACAACACTCCACTGACATCTTT-3'
Protein context (NP_000161.2, residues 267-287): PDTEGKVEDF[Thr277Ser]ELVERAHQSG